The following is an entry in ClinVar:

ClinVar aggregate classification (germline): Pathogenic (1 of 4 stars; one submission).

Conditions:
Glycogen storage disease type III (GSD3). Also called: FORBES DISEASE; Cori disease. Identifiers: Orphanet 366, MedGen C0017922, MONDO:0009291, OMIM 232400.

Submission:

Labcorp Genetics (formerly Invitae), Labcorp
Classification: Pathogenic for Glycogen storage disease type III. Last evaluated: 2019-11-22. Review status: criteria provided, single submitter. Criteria: Invitae Variant Classification Sherloc (09022015). Collection method: clinical testing. Allele origin: germline.
Comment: For these reasons, this variant has been classified as Pathogenic. This sequence change affects a donor splice site in intron 32 of the AGL gene. It is expected to disrupt RNA splicing and likely results in an absent or disrupted protein product. This variant is not present in population databases (ExAC no frequency). Disruption of this splice site has been observed in individual(s) with glycogen storage disease (PMID: 26984562). Experimental studies have shown that disruption of this splice site disrupts mRNA splicing (PMID: 26984562). Donor and acceptor splice site variants typically lead to a loss of protein function (PMID: 16199547), and loss-of-function variants in AGL are known to be pathogenic (PMID: 19299494). Please be sure to change the variant details text from "This variant has been" to "Disruption of this splice site has been" for that E3 text.

Literature cited by the submitters: PubMed 26984562; PubMed 16199547; PubMed 19299494.

NM_000642.3(AGL):c.4347+1G>C

Gene: AGL (amylo-alpha-1,6-glucosidase and 4-alpha-glucanotransferase; plus strand). Cytogenetic location: 1p21.2.
Variant type: single nucleotide variant.
Coding change: c.4347+1G>C on transcript NM_000642.3 (MANE Select); the canonical splice donor site of the intron after coding-DNA position 4347, G replaced by C.
Molecular consequence: splice donor variant.
Genome position (GRCh38, 1-based): chr1:99,916,498, G>C. VCF-style: chr1-99916498-G-C. GRCh37 (hg19) VCF-style: chr1-100382054-G-C.
Other names: c.3969+1G>C (NM_001425332.1); c.4347+1G>C (NM_001425325.1, NM_000028.3, NM_000643.3 and 1 more transcripts); c.4299+1G>C (NM_000646.3); c.4326+1G>C (NM_001425326.1); c.4146+1G>C (NM_001425327.1); c.4143+1G>C (NM_001425328.1); c.4008+1G>C (NM_001425329.1).
Identifiers: ClinVar variation 968766 (VCV000968766.7), dbSNP rs1553193463, ClinGen allele CA341342377.